The following is an entry in ClinVar:

ClinVar aggregate classification (germline): Benign. Review status: criteria provided, multiple submitters, no conflicts (2 of 4 stars). 3 submissions from 3 submitters: Benign (2). 1 of the submissions does not count toward it. Last evaluated 2026-02-04.

Conditions:
DSCAML1-related disorder. Also called: DSCAML1-related condition.

Allele frequency attached by ClinVar (database versions not stated): TOPMed 0.15259; gnomAD 0.15898 and 0.16544; 1000 Genomes Project 30x 0.19613; ExAC 0.19742; 1000 Genomes Project 0.19968; ESP Exome Variant Server 0.14230; gnomAD exomes 0.18038 and 0.19978.
gnomAD v4.1: 288,694 of 1,614,036 alleles (18%); highest among the groups gnomAD compares: South Asian, 31%; 27,933 homozygotes.

Submissions (3):

Labcorp Genetics (formerly Invitae), Labcorp
Classification: Benign. Last evaluated: 2026-02-04. Review status: criteria provided, single submitter. Criteria: Invitae Variant Classification Sherloc (09022015). Collection method: clinical testing. Allele origin: germline.

Breakthrough Genomics
Classification: Benign. Review status: criteria provided, single submitter. Criteria: ACMG Guidelines, 2015. Collection method: not provided. Allele origin: germline. Inheritance: Unknown mechanism. Affected: yes.

PreventionGenetics, part of Exact Sciences
Classification: Benign for DSCAML1-related condition. Last evaluated: 2019-10-30. Review status: no assertion criteria provided. Collection method: clinical testing. Allele origin: germline. Not counted in ClinVar's aggregate classification.
Comment: This variant is classified as benign based on ACMG/AMP sequence variant interpretation guidelines (Richards et al. 2015 PMID: 25741868, with internal and published modifications).

NM_020693.4(DSCAML1):c.1092C>T (p.Arg364=)

Gene: DSCAML1 (DS cell adhesion molecule like 1; minus strand). Cytogenetic location: 11q23.3.
Variant type: single nucleotide variant.
Coding change: c.1092C>T on transcript NM_020693.4 (MANE Select); coding-DNA position 1092, C replaced by T.
Protein change: p.Arg364=; no amino-acid change (arginine 364 retained).
Molecular consequence: synonymous variant.
Genome position (GRCh38, 1-based): chr11:117,521,251, G>A on the plus strand (C>T on the coding strand, the complement: DSCAML1 is on the minus strand). VCF-style: chr11-117521251-G-A. GRCh37 (hg19) VCF-style: chr11-117391966-G-A.
Other names: c.1272C>T (NM_020693.3); c.1092C>T, p.Arg364= (NM_001367904.1); c.684C>T, p.Arg228= (NM_001367905.1).
Identifiers: ClinVar variation 1600636 (VCV001600636.11), dbSNP rs2276340, ClinGen allele CA6297369.